The following is an entry in ClinVar:

ClinVar aggregate classification (germline): Conflicting classifications of pathogenicity. Review status: criteria provided, conflicting classifications (1 of 4 stars). 3 submissions from 3 submitters: Uncertain significance (2); Likely benign (1). Last evaluated 2025-04-09.

Conditions:
Hypertrophic cardiomyopathy 9. Also called: Familial hypertrophic cardiomyopathy 9. Identifiers: MedGen C1861065, MONDO:0013412, OMIM 613765.
Dilated cardiomyopathy 1G (CMD1G). Identifiers: Orphanet 154, MedGen C1858763, MONDO:0011400, OMIM 604145.

Allele frequency attached by ClinVar (database versions not stated): gnomAD exomes 0.00001; ExAC 0.00003; gnomAD 0.00003; TOPMed 0.00003.
gnomAD v4.1: 21 of 1,614,120 alleles (0.0013%); highest among the groups gnomAD compares: East Asian, 0.0067%; no homozygotes.

Submissions (3):

Molecular Diagnostic Laboratory for Inherited Cardiovascular Disease, Montreal Heart Institute
Classification: Likely benign. Last evaluated: 2025-04-09. Review status: criteria provided, single submitter. Criteria: ACMG Guidelines, 2015. Collection method: clinical testing. Allele origin: germline. Affected: no.

GeneDx
Classification: Uncertain significance. Last evaluated: 2024-04-24. Review status: criteria provided, single submitter. Criteria: GeneDx Variant Classification Process June 2021. Collection method: clinical testing. Allele origin: germline. Affected: yes.
Comment: Not observed at significant frequency in large population cohorts (gnomAD); Missense variant in a gene in which most reported pathogenic variants are truncating/loss of function; Has not been previously published as pathogenic or benign to our knowledge; This variant is associated with the following publications: (PMID: 23975875)

New York Genome Center
Classification: Uncertain significance for Hypertrophic cardiomyopathy 9; Dilated cardiomyopathy 1G. Last evaluated: 2022-04-19. Review status: criteria provided, single submitter. Criteria: NYGC Assertion Criteria 2020. Collection method: clinical testing. Allele origin: germline. Observed: 1 heterozygote.

NM_001267550.2(TTN):c.628A>G (p.Thr210Ala)

Gene: TTN (titin; minus strand). Cytogenetic location: 2q31.2.
Variant type: single nucleotide variant.
Coding change: c.628A>G on transcript NM_001267550.2 (MANE Select); coding-DNA position 628, A replaced by G.
Protein change: p.Thr210Ala; replaces threonine 210 with alanine.
Molecular consequence: missense variant.
Genome position (GRCh38, 1-based): chr2:178,799,866, T>C on the plus strand (A>G on the coding strand, the complement: TTN is on the minus strand). VCF-style: chr2-178799866-T-C. GRCh37 (hg19) VCF-style: chr2-179664593-T-C.
Other names: c.628A>G, p.Thr210Ala (NM_001256850.1, NM_003319.4, NM_133378.4 and 3 more transcripts); short protein forms T210A.
Identifiers: ClinVar variation 2502157 (VCV002502157.4), dbSNP rs777677253, ClinGen allele CA2006268.